The following is an entry in ClinVar:

NM_000533.5(PLP1):c.328G>T (p.Gly110Cys)

Genes: PLP1 (proteolipid protein 1; plus strand), RAB9B (RAB9B, member RAS oncogene family; minus strand). Cytogenetic location: Xq22.2.
Variant type: single nucleotide variant.
Coding change: c.328G>T on transcript NM_000533.5 (MANE Select); coding-DNA position 328, G replaced by T.
Protein change: p.Gly110Cys; replaces glycine 110 with cysteine.
Molecular consequence: missense variant.
Genome position (GRCh38, 1-based): chrX:103,786,601, G>T. VCF-style: chrX-103786601-G-T. GRCh37 (hg19) VCF-style: chrX-103041530-G-T.
Other names: c.328G>T, p.Gly110Cys (NM_001128834.3, NM_199478.3); c.163G>T, p.Gly55Cys (NM_001305004.1); short protein forms G110C, G55C.
Identifiers: ClinVar variation 1313797 (VCV001313797.2), dbSNP rs1283059062, ClinGen allele CA414102700.

ClinVar aggregate classification (germline): Uncertain significance (1 of 4 stars; one submission).

Allele frequency attached by ClinVar (database versions not stated): gnomAD 0.00002.
gnomAD v4.1: 2 of 1,209,808 alleles (0.00017%); highest among the groups gnomAD compares: African/African-American, 0.0035%; no homozygotes.

Submission:

GeneDx
Classification: Uncertain significance. Last evaluated: 2021-01-06. Review status: criteria provided, single submitter. Criteria: GeneDx Variant Classification Process June 2021. Collection method: clinical testing. Allele origin: germline. Affected: yes.
Comment: Missense variants in this gene are often considered pathogenic (Stenson et al., 2014); In silico analysis supports that this missense variant has a deleterious effect on protein structure/function; Has not been previously published as pathogenic or benign to our knowledge